The following is an entry in ClinVar:

NM_000124.4(ERCC6):c.1258C>T (p.Gln420Ter)

Genes: ERCC6 (ERCC excision repair 6, chromatin remodeling factor; minus strand), PGBD3 (piggyBac transposable element derived 3; minus strand). Cytogenetic location: 10q11.23.
Variant type: single nucleotide variant.
Coding change: c.1258C>T on transcript NM_000124.4 (MANE Select); coding-DNA position 1258, C replaced by T.
Protein change: p.Gln420Ter; replaces glutamine 420 with a stop codon.
Molecular consequence: nonsense. On other transcripts: 5 prime UTR variant (1).
Genome position (GRCh38, 1-based): chr10:49,524,172, G>A on the plus strand (C>T on the coding strand, the complement: ERCC6 is on the minus strand). VCF-style: chr10-49524172-G-A. GRCh37 (hg19) VCF-style: chr10-50732218-G-A.
Other names: c.1258C>T, p.Gln420Ter (NM_001277058.2, NM_001277059.2, NM_001346440.2); c.-147C>T (NM_170753.3); short protein forms Q420*.
Identifiers: ClinVar variation 1454137 (VCV001454137.6), dbSNP rs777002239, ClinGen allele CA376752294.

ClinVar aggregate classification (germline): Pathogenic (1 of 4 stars; one submission).

gnomAD v4.1: 1 of 1,614,082 alleles (0.000062%); highest among the groups gnomAD compares: Non-Finnish European, 0.000085%; no homozygotes.

Submission:

Labcorp Genetics (formerly Invitae), Labcorp
Classification: Pathogenic. Last evaluated: 2021-08-14. Review status: criteria provided, single submitter. Criteria: Invitae Variant Classification Sherloc (09022015). Collection method: clinical testing. Allele origin: germline.
Comment: This variant is not present in population databases (ExAC no frequency). This sequence change creates a premature translational stop signal (p.Gln420*) in the ERCC6 gene. It is expected to result in an absent or disrupted protein product. Loss-of-function variants in ERCC6 are known to be pathogenic (PMID: 18628313, 29572252). This premature translational stop signal has been observed in individual(s) with cerebrooculofacioskeletal syndrome (PMID: 32557569). For these reasons, this variant has been classified as Pathogenic.

Literature cited by the submitters: PubMed 18628313; PubMed 29572252; PubMed 32557569.